The following is an entry in ClinVar:

ClinVar aggregate classification (germline): Uncertain significance (1 of 4 stars; one submission).

Submission:

Labcorp Genetics (formerly Invitae), Labcorp
Classification: Uncertain significance. Last evaluated: 2023-05-16. Review status: criteria provided, single submitter. Criteria: Invitae Variant Classification Sherloc (09022015). Collection method: clinical testing. Allele origin: germline.
Comment: In summary, the available evidence is currently insufficient to determine the role of this variant in disease. Therefore, it has been classified as a Variant of Uncertain Significance. Algorithms developed to predict the effect of sequence changes on RNA splicing suggest that this variant is not likely to affect RNA splicing. This variant has not been reported in the literature in individuals affected with DUOX2-related conditions. This variant is not present in population databases (gnomAD no frequency). This sequence change affects codon 1465 of the DUOX2 mRNA. It is a 'silent' change, meaning that it does not change the encoded amino acid sequence of the DUOX2 protein. It affects a nucleotide within the consensus splice site.

NM_001363711.2(DUOX2):c.4395A>C (p.Leu1465=)

Gene: DUOX2 (dual oxidase 2; minus strand). Cytogenetic location: 15q21.1.
Variant type: single nucleotide variant.
Coding change: c.4395A>C on transcript NM_001363711.2 (MANE Select); coding-DNA position 4395, A replaced by C.
Protein change: p.Leu1465=; no amino-acid change (leucine 1465 retained).
Molecular consequence: synonymous variant.
Genome position (GRCh38, 1-based): chr15:45,094,936, T>G on the plus strand (A>C on the coding strand, the complement: DUOX2 is on the minus strand). VCF-style: chr15-45094936-T-G. GRCh37 (hg19) VCF-style: chr15-45387134-T-G.
Other names: c.4395A>C, p.Leu1465= (NM_014080.5).
Identifiers: ClinVar variation 2859975 (VCV002859975.3), dbSNP rs773175016, ClinGen allele CA270116936.